The following is an entry in ClinVar:

NM_003126.4(SPTA1):c.612_613insTGCATTTTGACTTAATTTATGAGTATTTATTTATTATGAGCCATTTGACAGCATGCAAGACACAACACAAAACNNNNNNNNNNAAAAAAAAAAAAAAAAAAAAAAGAAATTTGAAGACTTCCAA (p.Val205delinsCysIleLeuThrTer)

Gene: SPTA1 (spectrin alpha, erythrocytic 1; minus strand). Cytogenetic location: 1q23.1.
Variant type: Insertion.
Coding change: c.612_613insTGCATTTTGACTTAATTTATGAGTATTTATTTATTATGAGCCATTTGACAGCATGCAAGACACAACACAAAACNNNNNNNNNNAAAAAAAAAAAAAAAAAAAAAAGAAATTTGAAGACTTCCAA on transcript NM_003126.4 (MANE Select); coding-DNA positions 612 to 613, TGCATTTTGACTTAATTTATGAGTATTTATTTATTATGAGCCATTTGACAGCATGCAAGACACAACACAAAACNNNNNNNNNNAAAAAAAAAAAAAAAAAAAAAAGAAATTTGAAGACTTCCAA inserted.
Protein change: p.Val205delinsCysIleLeuThrTer.
Molecular consequence: nonsense.
Genome position: GRCh38: chr1:158,680,669-158,680,670. GRCh37 (hg19): chr1:158,650,459-158,650,460.
Identifiers: ClinVar variation 4715281 (VCV004715281.1).

ClinVar aggregate classification (germline): Pathogenic (1 of 4 stars; one submission).

Submission:

Labcorp Genetics (formerly Invitae), Labcorp
Classification: Pathogenic. Last evaluated: 2025-09-18. Review status: criteria provided, single submitter. Criteria: Invitae Variant Classification Sherloc (09022015). Collection method: clinical testing. Allele origin: germline.
Comment: This sequence change inserts a large fragment of DNA, likely a transposable element, in exon 5 of the SPTA1 gene (c.612_613ins? ), causing a frameshift at codon 205 (p.Val205fs). The exact size and sequence of the insertion cannot be determined by the current assay. However, the insertion is expected to result in an absent or disrupted protein product. This variant is not present in population databases (gnomAD no frequency). This variant has not been reported in the literature in individuals affected with SPTA1-related conditions. Retrotransposon insertions including LINE1 (L1), Alu, and SVA (SINE-VNTR-Alu) have been reported to be disease-causing through disruption of either a coding region or splice site (PMID: 19763152, 20307669, 22406018) and loss-of-function variants in SPTA1 are known to be pathogenic (PMID: 9192783, 18815189, 31333484, 31723846, 32266426). For these reasons, this variant has been classified as Pathogenic.

Literature cited by the submitters: PubMed 19763152; PubMed 20307669; PubMed 22406018; PubMed 9192783; PubMed 18815189; PubMed 31333484; PubMed 31723846; PubMed 32266426.